The following is an entry in ClinVar:

ClinVar aggregate classification (germline): Uncertain significance. Review status: criteria provided, multiple submitters, no conflicts (2 of 4 stars). 4 submissions from 4 submitters: Uncertain significance (4). Last evaluated 2024-09-12.

Conditions:
Fanconi anemia (FA). Also called: Fanconi's anemia. Identifiers: Orphanet 84, MedGen C0015625, MeSH D005199, MONDO:0019391.
Fanconi anemia complementation group L (FANCL). Also called: FANCL-Related Fanconi Anemia. Identifiers: Orphanet 84, MedGen C3469528, MONDO:0013566, OMIM 614083.

Allele frequency attached by ClinVar (database versions not stated): gnomAD 0.00001; TOPMed 0.00001; 1000 Genomes Project 30x 0.00016; 1000 Genomes Project 0.00020.
gnomAD v4.1: 10 of 1,614,024 alleles (0.00062%); highest among the groups gnomAD compares: African/African-American, 0.0013%; no homozygotes.

Submissions (4):

Labcorp Genetics (formerly Invitae), Labcorp
Classification: Uncertain significance for Fanconi anemia. Last evaluated: 2024-09-12. Review status: criteria provided, single submitter. Criteria: Invitae Variant Classification Sherloc (09022015). Collection method: clinical testing. Allele origin: germline.
Comment: This sequence change replaces alanine, which is neutral and non-polar, with valine, which is neutral and non-polar, at codon 2 of the FANCL protein (p.Ala2Val). This variant is present in population databases (rs551142193, gnomAD 0.003%). This variant has not been reported in the literature in individuals affected with FANCL-related conditions. ClinVar contains an entry for this variant (Variation ID: 895387). An algorithm developed to predict the effect of missense changes on protein structure and function (PolyPhen-2) suggests that this variant is likely to be disruptive. In summary, the available evidence is currently insufficient to determine the role of this variant in disease. Therefore, it has been classified as a Variant of Uncertain Significance.

Fulgent Genetics
Classification: Uncertain significance for Fanconi anemia complementation group L. Last evaluated: 2024-04-15. Review status: criteria provided, single submitter. Criteria: ACMG Guidelines, 2015. Collection method: clinical testing. Allele origin: germline.

Genetic Services Laboratory, University of Chicago
Classification: Uncertain significance. Last evaluated: 2020-08-21. Review status: criteria provided, single submitter. Criteria: ACMG Guidelines, 2015. Collection method: clinical testing. Allele origin: germline. Affected: no.
Comment: DNA sequence analysis of the FANCL gene demonstrated a sequence change, c.5C>T, in exon 1 that results in an amino acid change, p.Ala2Val. This sequence change does not appear to have been previously described in patients with FANCL-related disorders and has been described in the gnomAD database in three individuals with an overall population frequency of 0.0012% (dbSNP rs551142193). The p.Ala2Val change affects a poorly conserved amino acid residue located in a domain of the FANCL protein that is not known to be functional. The p.Ala2Val substitution appears to be benign using several in-silico pathogenicity prediction tools (SIFT, PolyPhen2, Align GVGD, REVEL). Due to these contrasting evidences and the lack of functional studies, the clinical significance of the p.Ala2Val change remains unknown at this time.

Illumina Laboratory Services, Illumina
Classification: Uncertain significance for Fanconi anemia complementation group L. Last evaluated: 2018-01-12. Review status: criteria provided, single submitter. Criteria: ICSL Variant Classification Criteria 13 December 2019. Collection method: clinical testing. Allele origin: germline.

NM_018062.4(FANCL):c.5C>T (p.Ala2Val)

Gene: FANCL (FA complementation group L; minus strand). Cytogenetic location: 2p16.1.
Variant type: single nucleotide variant.
Coding change: c.5C>T on transcript NM_018062.4 (MANE Select); coding-DNA position 5, C replaced by T.
Protein change: p.Ala2Val; replaces alanine 2 with valine.
Molecular consequence: missense variant.
Genome position (GRCh38, 1-based): chr2:58,241,309, G>A on the plus strand (C>T on the coding strand, the complement: FANCL is on the minus strand). VCF-style: chr2-58241309-G-A. GRCh37 (hg19) VCF-style: chr2-58468444-G-A.
Other names: c.5C>T, p.Ala2Val (NM_001114636.2, NM_001374615.1, NM_001410792.1); short protein forms A2V.
Identifiers: ClinVar variation 895387 (VCV000895387.10), dbSNP rs551142193, ClinGen allele CA48736779.